The following is an entry in ClinVar:

NM_004168.4(SDHA):c.391G>A (p.Asp131Asn)

Gene: SDHA (succinate dehydrogenase complex flavoprotein subunit A; plus strand). Cytogenetic location: 5p15.33.
Variant type: single nucleotide variant.
Coding change: c.391G>A on transcript NM_004168.4 (MANE Select); coding-DNA position 391, G replaced by A.
Protein change: p.Asp131Asn; replaces aspartic acid 131 with asparagine.
Molecular consequence: missense variant. On other transcripts: intron variant (1).
Genome position (GRCh38, 1-based): chr5:225,497, G>A. VCF-style: chr5-225497-G-A. GRCh37 (hg19) VCF-style: chr5-225612-G-A.
Other names: c.391G>A, p.Asp131Asn (NM_001330758.2); c.313-386G>A (NM_001294332.2); short protein forms D131N.
Identifiers: ClinVar variation 480780 (VCV000480780.22), dbSNP rs1324014370, ClinGen allele CA359009446.

ClinVar aggregate classification (germline): Uncertain significance. Review status: criteria provided, multiple submitters, no conflicts (2 of 4 stars). 8 submissions from 8 submitters: Uncertain significance (8). Last evaluated 2025-12-08.

Conditions:
Pheochromocytoma/paraganglioma syndrome 4. Also called: CAROTID BODY TUMORS AND MULTIPLE EXTRAADRENAL PHEOCHROMOCYTOMAS; PARAGANGLIOMA, FAMILIAL MALIGNANT; PARAGANGLIOMAS, HEREDITARY EXTRAADRENAL; SDHB-Related Hereditary Paraganglioma-Pheochromocytoma Syndrome (Paragangliomas 4); PHEOCHROMOCYTOMA, FAMILIAL EXTRAADRENAL; Paragangliomas 4. Identifiers: Orphanet 29072, MedGen C1861848, MONDO:0007273, OMIM 115310.
Hereditary cancer-predisposing syndrome. Also called: Neoplastic Syndromes, Hereditary; Tumor predisposition; Hereditary neoplastic syndrome; Hereditary Cancer Syndrome. Identifiers: Orphanet 140162, MedGen C0027672, MeSH D009386, MONDO:0015356.
Incidental Discovery. Identifiers: MedGen C1135954.
Mitochondrial complex II deficiency, nuclear type 1. Also called: SUCCINATE CoQ REDUCTASE DEFICIENCY. Identifiers: Orphanet 3208, MedGen C5700310, MONDO:0100294, OMIM 252011.
Neurodegeneration with ataxia and late-onset optic atrophy. Identifiers: MedGen C5543254, MONDO:0031006, OMIM 619259.
Dilated cardiomyopathy 1GG (CMD1GG). Identifiers: Orphanet 154, MedGen C3150898, MONDO:0013339, OMIM 613642.
Pheochromocytoma/paraganglioma syndrome 5. Also called: Paragangliomas 5; SDHA-Related Hereditary Paraganglioma-Pheochromocytoma Syndrome. Identifiers: Orphanet 29072, MedGen C3279992, MONDO:0013602, OMIM 614165.

Allele frequency attached by ClinVar (database versions not stated): gnomAD exomes 0.00001; gnomAD 0.00003 and 0.00002; TOPMed 0.00003.
gnomAD v4.1: 20 of 1,613,772 alleles (0.0012%); highest among the groups gnomAD compares: African/African-American, 0.004%; no homozygotes.

Submissions (8):

Labcorp Genetics (formerly Invitae), Labcorp
Classification: Uncertain significance for Pheochromocytoma/paraganglioma syndrome 5; Mitochondrial complex II deficiency, nuclear type 1. Last evaluated: 2025-12-08. Review status: criteria provided, single submitter. Criteria: Invitae Variant Classification Sherloc (09022015). Collection method: clinical testing. Allele origin: germline.
Comment: This sequence change replaces aspartic acid, which is acidic and polar, with asparagine, which is neutral and polar, at codon 131 of the SDHA protein (p.Asp131Asn). This variant is present in population databases (no rsID available, gnomAD 0.002%). This variant has not been reported in the literature in individuals affected with SDHA-related conditions. ClinVar contains an entry for this variant (Variation ID: 480780). Invitae Evidence Modeling of protein sequence and biophysical properties (such as structural, functional, and spatial information, amino acid conservation, physicochemical variation, residue mobility, and thermodynamic stability) has been performed for this missense variant. However, the output from this modeling did not meet the statistical confidence thresholds required to predict the impact of this variant on SDHA protein function. In summary, the available evidence is currently insufficient to determine the role of this variant in disease. Therefore, it has been classified as a Variant of Uncertain Significance.

Ambry Genetics
Classification: Uncertain significance for Hereditary cancer-predisposing syndrome. Last evaluated: 2025-12-01. Review status: criteria provided, single submitter. Criteria: Ambry Variant Classification Scheme 2023. Collection method: clinical testing. Allele origin: germline.
Comment: The p.D131N variant (also known as c.391G>A), located in coding exon 4 of the SDHA gene, results from a G to A substitution at nucleotide position 391. The aspartic acid at codon 131 is replaced by asparagine, an amino acid with highly similar properties. This amino acid position is highly conserved in available vertebrate species. In addition, the in silico prediction for this alteration is inconclusive. Based on the available evidence, the clinical significance of this variant remains unclear.

Dasa
Classification: Uncertain significance. Last evaluated: 2025-05-14. Review status: criteria provided, single submitter. Criteria: DASA Assertion Criteria. Collection method: clinical testing. Allele origin: germline.
Comment: NM_004168.4(SDHA):c.391G>A (p.Asp131Asn) is a missense variant that results in the substitution of aspartic acid with asparagine. This variant is rare in population databases. Computational prediction algorithms are consistent with a deleterious effect. The currently available literature and clinical evidence are not sufficient to establish a definitive association between this variant and the reported condition. Therefore, this variant is classified as a variant of uncertain significance.

Clinical Genetics Laboratory, Skane University Hospital Lund
Classification: Uncertain significance for Incidental Discovery. Last evaluated: 2025-03-12. Review status: criteria provided, single submitter. Criteria: ACMG Guidelines, 2015. Collection method: clinical testing. Allele origin: germline.
Comment: Incidental finding, no phenotype correlation. ACMG criteria used: PP3.

Fulgent Genetics
Classification: Uncertain significance for Mitochondrial complex II deficiency, nuclear type 1; Dilated cardiomyopathy 1GG; Pheochromocytoma/paraganglioma syndrome 5; Neurodegeneration with ataxia and late-onset optic atrophy. Last evaluated: 2024-05-10. Review status: criteria provided, single submitter. Criteria: ACMG Guidelines, 2015. Collection method: clinical testing. Allele origin: germline.

Baylor Genetics
Classification: Uncertain significance for Dilated cardiomyopathy 1GG. Last evaluated: 2024-03-13. Review status: criteria provided, single submitter. Criteria: ACMG Guidelines, 2015. Collection method: clinical testing. Allele origin: unknown.

Quest Diagnostics Nichols Institute San Juan Capistrano
Classification: Uncertain significance. Last evaluated: 2021-05-27. Review status: criteria provided, single submitter. Criteria: Quest Diagnostics criteria. Collection method: clinical testing. Allele origin: unknown.

Institute of Human Genetics, University Hospital of Duesseldorf
Classification: Uncertain significance for Pheochromocytoma/paraganglioma syndrome 4. Review status: criteria provided, single submitter. Criteria: ACMG Guidelines, 2015. Collection method: not provided. Allele origin: germline. Inheritance: Autosomal dominant inheritance. Affected: yes.